The following is an entry in ClinVar:

NM_014762.4(DHCR24):c.811C>A (p.Leu271Ile)

Gene: DHCR24 (24-dehydrocholesterol reductase; minus strand). Cytogenetic location: 1p32.3.
Variant type: single nucleotide variant.
Coding change: c.811C>A on transcript NM_014762.4 (MANE Select); coding-DNA position 811, C replaced by A.
Protein change: p.Leu271Ile; replaces leucine 271 with isoleucine.
Molecular consequence: missense variant.
Genome position (GRCh38, 1-based): chr1:54,871,415, G>T on the plus strand (C>A on the coding strand, the complement: DHCR24 is on the minus strand). VCF-style: chr1-54871415-G-T. GRCh37 (hg19) VCF-style: chr1-55337088-G-T.
Other names: c.811C>A (NM_014762.3); short protein forms L271I.
Identifiers: ClinVar variation 281353 (VCV000281353.14), dbSNP rs886042137, ClinGen allele CA10603854.
Genomic context (GRCh38, chr1:54,871,415, plus strand): 5'-TGGGCTCTGCCTCATCTGTCATGACCCCTGTCATAATGACAGCCTCATCCAGGGAGTAGA[G>T]CAGCCCTTCCACGAAGTGGTTCTCCTGCCGCTGGGACTCGTGGGTGAACTTGGCACAGAT-3'
Protein context (NP_055577.1, residues 261-281): RQENHFVEGL[Leu271Ile]YSLDEAVIMT

ClinVar aggregate classification (germline): Uncertain significance. Review status: criteria provided, multiple submitters, no conflicts (2 of 4 stars). 4 submissions from 4 submitters: Uncertain significance (4). Last evaluated 2025-02-10.

Conditions:
Inborn genetic diseases. Identifiers: MedGen C0950123, MeSH D030342.
Desmosterolosis. Identifiers: Orphanet 35107, MedGen C1865596, MONDO:0011217, OMIM 602398.

Allele frequency attached by ClinVar (database versions not stated): gnomAD 0.00001; TOPMed 0.00001.
gnomAD v4.1: 8 of 1,614,192 alleles (0.0005%); highest among the groups gnomAD compares: Middle Eastern, 0.016%; no homozygotes.

Submissions (4):

Labcorp Genetics (formerly Invitae), Labcorp
Classification: Uncertain significance. Last evaluated: 2025-02-10. Review status: criteria provided, single submitter. Criteria: Invitae Variant Classification Sherloc (09022015). Collection method: clinical testing. Allele origin: germline.
Comment: This sequence change replaces leucine, which is neutral and non-polar, with isoleucine, which is neutral and non-polar, at codon 271 of the DHCR24 protein (p.Leu271Ile). This variant is not present in population databases (gnomAD no frequency). This variant has not been reported in the literature in individuals affected with DHCR24-related conditions. ClinVar contains an entry for this variant (Variation ID: 281353). Invitae Evidence Modeling of protein sequence and biophysical properties (such as structural, functional, and spatial information, amino acid conservation, physicochemical variation, residue mobility, and thermodynamic stability) indicates that this missense variant is not expected to disrupt DHCR24 protein function with a negative predictive value of 80%. In summary, the available evidence is currently insufficient to determine the role of this variant in disease. Therefore, it has been classified as a Variant of Uncertain Significance.

Genomic Medicine Center of Excellence, King Faisal Specialist Hospital and Research Centre
Classification: Uncertain significance for Desmosterolosis. Last evaluated: 2024-04-04. Review status: criteria provided, single submitter. Criteria: ACMG Guidelines, 2015. Collection method: clinical testing. Allele origin: germline.

Ambry Genetics
Classification: Uncertain significance for Inborn genetic diseases. Last evaluated: 2021-09-27. Review status: criteria provided, single submitter. Criteria: Ambry Variant Classification Scheme 2023. Collection method: clinical testing. Allele origin: germline.

Eurofins Ntd Llc (ga)
Classification: Uncertain significance. Last evaluated: 2015-06-10. Review status: criteria provided, single submitter. Criteria: EGL Classification Definitions 2015. Collection method: clinical testing. Allele origin: germline. Observed: 1 variant allele, 1 heterozygote.